The following is an entry in ClinVar:

NM_006502.3(POLH):c.*3318G>A

Gene: POLH (DNA polymerase eta; plus strand). Cytogenetic location: 6p21.1.
Variant type: single nucleotide variant.
Coding change: c.*3318G>A on transcript NM_006502.3 (MANE Select); 3318 bases downstream of the stop codon, G replaced by A.
Molecular consequence: 3 prime UTR variant.
Genome position (GRCh38, 1-based): chr6:43,617,875, G>A. VCF-style: chr6-43617875-G-A. GRCh37 (hg19) VCF-style: chr6-43585612-G-A.
Other names: c.*3318G>A (NM_001291969.2); c.*4144G>A (NM_001291970.2).
Identifiers: ClinVar variation 911950 (VCV000911950.4), dbSNP rs142340697, ClinGen allele CA138308832.

ClinVar aggregate classification (germline): Benign (1 of 4 stars; one submission).

Conditions:
Xeroderma pigmentosum variant type. Also called: PHOTOSENSITIVITY WITH DEFECTIVE DNA SYNTHESIS; XERODERMA PIGMENTOSUM WITH NORMAL DNA REPAIR RATES; POLH-Related Xeroderma Pigmentosum. Identifiers: Orphanet 90342, MedGen C1848410, MONDO:0010214, OMIM 278750.

Allele frequency attached by ClinVar (database versions not stated): gnomAD 0.01131 and 0.01222; TOPMed 0.01351; 1000 Genomes Project 30x 0.01390; 1000 Genomes Project 0.01418.
gnomAD v4.1: 1,704 of 151,916 alleles (1.1%); highest among the groups gnomAD compares: African/African-American, 4%; 33 homozygotes.

Submission:

Illumina Laboratory Services, Illumina
Classification: Benign for Xeroderma pigmentosum variant type. Last evaluated: 2018-01-12. Review status: criteria provided, single submitter. Criteria: ICSL Variant Classification Criteria 13 December 2019. Collection method: clinical testing. Allele origin: germline.
Comment: This variant was observed in the ICSL laboratory as part of a predisposition screen in an ostensibly healthy population. It had not been previously curated by ICSL or reported in the Human Gene Mutation Database (HGMD: prior to June 1st, 2018), and was therefore a candidate for classification through an automated scoring system. Utilizing variant allele frequency, disease prevalence and penetrance estimates, and inheritance mode, an automated score was calculated to assess if this variant is too frequent to cause the disease. Based on the score and internal cut-off values, a variant classified as benign is not then subjected to further curation. The score for this variant resulted in a classification of benign for this disease.